The following is an entry in ClinVar:

NM_001166114.2(PNPLA6):c.186C>G (p.Val62=)

Gene: PNPLA6 (patatin like domain 6, lysophospholipase; plus strand). Cytogenetic location: 19p13.2.
Variant type: single nucleotide variant.
Coding change: c.186C>G on transcript NM_001166114.2 (MANE Select); coding-DNA position 186, C replaced by G.
Protein change: p.Val62=; no amino-acid change (valine 62 retained).
Molecular consequence: synonymous variant.
Genome position (GRCh38, 1-based): chr19:7,535,974, C>G. VCF-style: chr19-7535974-C-G. GRCh37 (hg19) VCF-style: chr19-7600860-C-G.
Other names: c.213C>G, p.Val71= (NM_001166111.2); c.69C>G, p.Val23= (NM_001166112.2, NM_001166113.1, NM_006702.5).
Identifiers: ClinVar variation 893385 (VCV000893385.30), dbSNP rs759997114, ClinGen allele CA9139357.
Genomic context (GRCh38, chr19:7,535,974, plus strand): 5'-AGTGCCGTTCGTCCCTCAGGTGCTTGGCGTGATGATCGGGGCCGGAGTGGCGGTGGTGGT[C>G]ACGGCCGTGCTCATCCTCCTGGTGGTGCGGAGGCTGCGAGTGCCAAGTGAGCACCCGAGG-3'
Protein context (NP_001159586.1, residues 52-72): VMIGAGVAVV[Val62=]TAVLILLVVR

ClinVar aggregate classification (germline): Conflicting classifications of pathogenicity. Review status: criteria provided, conflicting classifications (1 of 4 stars). 3 submissions from 3 submitters: Uncertain significance (1); Likely benign (2). Last evaluated 2026-01-26.

Conditions:
Hereditary spastic paraplegia 39 (SPG39). Also called: Spastic Paraplegia Type 39 (SPG39); SPASTIC PARAPLEGIA 39, AUTOSOMAL RECESSIVE. Identifiers: Orphanet 139480, MedGen C2677586, MONDO:0012787, OMIM 612020.

Allele frequency attached by ClinVar (database versions not stated): gnomAD 0.00001; gnomAD exomes 0.00001 and 0.00002; TOPMed 0.00001; ExAC 0.00005.
gnomAD v4.1: 21 of 1,580,848 alleles (0.0013%); highest among the groups gnomAD compares: Non-Finnish European, 0.0017%; no homozygotes.

Submissions (3):

Labcorp Genetics (formerly Invitae), Labcorp
Classification: Likely benign for Hereditary spastic paraplegia 39. Last evaluated: 2026-01-26. Review status: criteria provided, single submitter. Criteria: Invitae Variant Classification Sherloc (09022015). Collection method: clinical testing. Allele origin: germline.

CeGaT Center for Human Genetics Tuebingen
Classification: Likely benign. Last evaluated: 2022-10-01. Review status: criteria provided, single submitter. Criteria: CeGaT Center For Human Genetics Tuebingen Variant Classification Criteria Version 2. Collection method: clinical testing. Allele origin: germline. Affected: yes. Observed: 1 variant allele.
Comment: PNPLA6: BP4, BP7

Illumina Laboratory Services, Illumina
Classification: Uncertain significance for Hereditary spastic paraplegia 39. Last evaluated: 2018-01-13. Review status: criteria provided, single submitter. Criteria: ICSL Variant Classification Criteria 13 December 2019. Collection method: clinical testing. Allele origin: germline.